The following is an entry in ClinVar:

ClinVar aggregate classification (germline): Conflicting classifications of pathogenicity. Review status: criteria provided, conflicting classifications (1 of 4 stars). 3 submissions from 3 submitters: Uncertain significance (1); Likely benign (2). Last evaluated 2025-07-16.

Conditions:
Luscan-Lumish syndrome. Identifiers: Orphanet 597738, MedGen C4085873, MONDO:0014791, OMIM 616831.
Inborn genetic diseases. Identifiers: MedGen C0950123, MeSH D030342.

Allele frequency attached by ClinVar (database versions not stated): ESP Exome Variant Server 0.00008; gnomAD 0.00011.

Submissions (3):

Ambry Genetics
Classification: Likely benign for Inborn genetic diseases. Last evaluated: 2025-07-16. Review status: criteria provided, single submitter. Criteria: Ambry Variant Classification Scheme 2023. Collection method: clinical testing. Allele origin: germline.

Labcorp Genetics (formerly Invitae), Labcorp
Classification: Uncertain significance for Luscan-Lumish syndrome. Last evaluated: 2024-03-06. Review status: criteria provided, single submitter. Criteria: Invitae Variant Classification Sherloc (09022015). Collection method: clinical testing. Allele origin: germline.
Comment: This sequence change replaces proline, which is neutral and non-polar, with leucine, which is neutral and non-polar, at codon 2054 of the SETD2 protein (p.Pro2054Leu). This variant is present in population databases (rs139016283, gnomAD 0.02%). This missense change has been observed in individual(s) with neurodevelopmental disorder (PMID: 33004838). ClinVar contains an entry for this variant (Variation ID: 1059782). An algorithm developed to predict the effect of missense changes on protein structure and function (PolyPhen-2) suggests that this variant is likely to be disruptive. In summary, the available evidence is currently insufficient to determine the role of this variant in disease. Therefore, it has been classified as a Variant of Uncertain Significance.

Blueprint Genetics
Classification: Likely benign. Last evaluated: 2021-07-22. Review status: criteria provided, single submitter. Criteria: ACMG Guidelines, 2015. Collection method: clinical testing. Allele origin: germline.

Literature cited by the submitters: PubMed 33004838 (cited by Labcorp Genetics (formerly Invitae), Labcorp).

NM_014159.7(SETD2):c.6161C>T (p.Pro2054Leu)

Gene: SETD2 (SET domain containing 2, histone lysine methyltransferase; minus strand). Cytogenetic location: 3p21.31.
Variant type: single nucleotide variant.
Coding change: c.6161C>T on transcript NM_014159.7 (MANE Select); coding-DNA position 6161, C replaced by T.
Protein change: p.Pro2054Leu; replaces proline 2054 with leucine.
Molecular consequence: missense variant. On other transcripts: non-coding transcript variant (1).
Genome position (GRCh38, 1-based): chr3:47,062,295, G>A on the plus strand (C>T on the coding strand, the complement: SETD2 is on the minus strand). VCF-style: chr3-47062295-G-A. GRCh37 (hg19) VCF-style: chr3-47103785-G-A.
Other names: c.6161C>T (NM_014159.6); c.6029C>T, p.Pro2010Leu (NM_001349370.3); short protein forms P2010L, P2054L.
Identifiers: ClinVar variation 1059782 (VCV001059782.7), dbSNP rs139016283, ClinGen allele CA2362756.
Genomic context (GRCh38, chr3:47,062,295, plus strand): 5'-TTCTCTTTATTTTGAGTTTGCTTGTCTGGGTCTCTCTCTCTTGACCTATTAGGAGTCTTC[G>A]GGGCAGGTGTTTGATCTCTGAAGCCAACAGCATCCCTTCCTCGTTCAGTTGCTAAGGGAA-3'
Protein context (NP_054878.5, residues 2044-2064): AVGFRDQTPA[Pro2054Leu]KTPNRSRERD